The following is an entry in ClinVar:

ClinVar aggregate classification (germline): Conflicting classifications of pathogenicity. Review status: criteria provided, conflicting classifications (1 of 4 stars). 2 submissions from 2 submitters: Uncertain significance (1); Benign (1). Last evaluated 2024-10-01.

Conditions:
Familial cancer of breast. Also called: Hereditary breast cancer; BREAST CANCER, FAMILIAL; hereditary breast carcinoma. Identifiers: Orphanet 227535, MedGen C0346153, MONDO:0016419, OMIM 114480. Disease mechanism: loss of function.
Hereditary cancer-predisposing syndrome. Also called: Tumor predisposition; Hereditary neoplastic syndrome; Neoplastic Syndromes, Hereditary; Hereditary Cancer Syndrome. Identifiers: Orphanet 140162, MedGen C0027672, MeSH D009386, MONDO:0015356.

Submissions (2):

Myriad Genetics, Inc.
Classification: Benign for Familial cancer of breast. Last evaluated: 2024-10-01. Review status: criteria provided, single submitter. Criteria: Myriad Autosomal Dominant, Autosomal Recessive and X-Linked Classification Criteria (2023). Collection method: clinical testing. Allele origin: unknown.
Comment: This variant is considered benign. This variant occurs in the non-coding 3' untranslated region of the gene, and is not expected to impact protein function.

Color Diagnostics, LLC DBA Color Health
Classification: Uncertain significance for Hereditary cancer-predisposing syndrome. Last evaluated: 2018-11-20. Review status: criteria provided, single submitter. Criteria: ACMG Guidelines, 2015. Collection method: clinical testing. Allele origin: germline.

NM_000051.4(ATM):c.*9del

Genes: ATM (ATM serine/threonine kinase; plus strand), C11orf65 (chromosome 11 open reading frame 65; minus strand). Cytogenetic location: 11q22.3.
Variant type: Deletion.
Coding change: c.*9del on transcript NM_000051.4 (MANE Select); 9 bases downstream of the stop codon, one base deleted (A; older notation c.*9delA).
Molecular consequence: 3 prime UTR variant. On other transcripts: intron variant (2).
Genome position (GRCh38, 1-based): chr11:108,365,517, A deleted. VCF-style (leftmost placement, unchanged base first): chr11-108365516-TA-T. GRCh37 (hg19) VCF-style: chr11-108236243-TA-T.
Other names: c.*9delA (NM_000051.3); c.*9del (NM_001351834.2); c.640+20403del (NM_001330368.2); c.694+20403del (NM_001351110.2).
Identifiers: ClinVar variation 630750 (VCV000630750.5), dbSNP rs1565609967, ClinGen allele CA913188469.